The following is an entry in ClinVar:

NM_001367624.2(ZNF469):c.5354A>G (p.Gln1785Arg)

Gene: ZNF469 (zinc finger protein 469; plus strand). Cytogenetic location: 16q24.2.
Variant type: single nucleotide variant.
Coding change: c.5354A>G on transcript NM_001367624.2 (MANE Select); coding-DNA position 5354, A replaced by G.
Protein change: p.Gln1785Arg; replaces glutamine 1785 with arginine.
Molecular consequence: missense variant.
Genome position (GRCh38, 1-based): chr16:88,432,824, A>G. VCF-style: chr16-88432824-A-G. GRCh37 (hg19) VCF-style: chr16-88499232-A-G.
Other names: short protein forms Q1785R.
Identifiers: ClinVar variation 1947441 (VCV001947441.2), dbSNP rs1466149415, ClinGen allele CA397096978.
Genomic context (GRCh38, chr16:88,432,824, plus strand): 5'-TGCGGCTGCTTCCCTGTGAACAGAGAGGAGGGTTCCTCCCAGAGCCCGGCACAGCAGACC[A>G]GCCCCACCGAGGGGCCCCTGCTCCAGAAGCTTTTGGCAGCCCTGCTGTCCATCTGGCCCC-3'
Protein context (NP_001354553.1, residues 1775-1795): GFLPEPGTAD[Gln1785Arg]PHRGAPAPEA

ClinVar aggregate classification (germline): Uncertain significance (1 of 4 stars; one submission).

Allele frequency attached by ClinVar (database versions not stated): gnomAD 0.00001; gnomAD exomes 0.00001; TOPMed 0.00001.
gnomAD v4.1: 11 of 1,550,062 alleles (0.00071%); highest among the groups gnomAD compares: Non-Finnish European, 0.00096%; no homozygotes.

Submission:

Labcorp Genetics (formerly Invitae), Labcorp
Classification: Uncertain significance. Last evaluated: 2022-10-07. Review status: criteria provided, single submitter. Criteria: Invitae Variant Classification Sherloc (09022015). Collection method: clinical testing. Allele origin: germline.
Comment: This sequence change replaces glutamine, which is neutral and polar, with arginine, which is basic and polar, at codon 1757 of the ZNF469 protein (p.Gln1757Arg). This variant is not present in population databases (gnomAD no frequency). This variant has not been reported in the literature in individuals affected with ZNF469-related conditions. Algorithms developed to predict the effect of missense changes on protein structure and function output the following: SIFT: "Tolerated"; PolyPhen-2: "Benign"; Align-GVGD: "Class C0". The arginine amino acid residue is found in multiple mammalian species, which suggests that this missense change does not adversely affect protein function. In summary, the available evidence is currently insufficient to determine the role of this variant in disease. Therefore, it has been classified as a Variant of Uncertain Significance.